The following is an entry in ClinVar:

NM_000396.4(CTSK):c.926T>C (p.Leu309Pro)

Gene: CTSK (cathepsin K; minus strand). Cytogenetic location: 1q21.3.
Variant type: single nucleotide variant.
Coding change: c.926T>C on transcript NM_000396.4 (MANE Select); coding-DNA position 926, T replaced by C.
Protein change: p.Leu309Pro; replaces leucine 309 with proline.
Molecular consequence: missense variant.
Genome position (GRCh38, 1-based): chr1:150,796,863, A>G on the plus strand (T>C on the coding strand, the complement: CTSK is on the minus strand). VCF-style: chr1-150796863-A-G. GRCh37 (hg19) VCF-style: chr1-150769339-A-G.
Other names: short protein forms L309P.
Identifiers: ClinVar variation 8426 (VCV000008426.13), dbSNP rs29001685, ClinGen allele CA119615.

ClinVar aggregate classification (germline): Pathogenic/Likely pathogenic. Review status: criteria provided, multiple submitters, no conflicts (2 of 4 stars). 6 submissions from 6 submitters: Pathogenic (3); Likely pathogenic (1). 2 of the submissions do not count toward it. Last evaluated 2026-01-06.

Conditions:
Pyknodysostosis. Also called: Pycnodysostosis. Identifiers: Orphanet 763, MedGen C0238402, MONDO:0009940, OMIM 265800.

Allele frequency attached by ClinVar (database versions not stated): gnomAD exomes below 0.00001 and 0.00001; TOPMed below 0.00001; gnomAD 0.00001.

Submissions (6):

Natera, Inc.
Classification: Pathogenic for Pyknodysostosis. Last evaluated: 2026-01-06. Review status: criteria provided, single submitter. Criteria: Natera Variant Classification Schema (03/2026). Collection method: clinical testing. Allele origin: germline.
Comment: The c.926T>C variant in CTSK is a missense variant predicted to cause substitution of leucine to proline at amino acid 309. This variant is rare in the general population with a frequency below the threshold expected for the associated phenotype(s). This variant has been observed in one or more individuals affected with the associated recessive disease, as either homozygous or compound heterozygous with a second variant (PMID: 10878663). Additionally, this variant has been observed to segregate in affected family members (PMID: 10878663). Computational prediction algorithms indicate this variant is likely to affect gene or protein function. Given the available evidence, this variant is classified as Pathogenic.

Baylor Genetics
Classification: Pathogenic for Pyknodysostosis. Last evaluated: 2023-10-17. Review status: criteria provided, single submitter. Criteria: ACMG Guidelines, 2015. Collection method: clinical testing. Allele origin: unknown.

Labcorp Genetics (formerly Invitae), Labcorp
Classification: Pathogenic. Last evaluated: 2023-08-30. Review status: criteria provided, single submitter. Criteria: Invitae Variant Classification Sherloc (09022015). Collection method: clinical testing. Allele origin: germline.
Comment: For these reasons, this variant has been classified as Pathogenic. This variant disrupts the p.Leu309 amino acid residue in CTSK. Other variant(s) that disrupt this residue have been determined to be pathogenic (Invitae). This suggests that this residue is clinically significant, and that variants that disrupt this residue are likely to be disease-causing. Advanced modeling of protein sequence and biophysical properties (such as structural, functional, and spatial information, amino acid conservation, physicochemical variation, residue mobility, and thermodynamic stability) performed at Invitae indicates that this missense variant is expected to disrupt CTSK protein function. ClinVar contains an entry for this variant (Variation ID: 8426). This missense change has been observed in individual(s) with pycnodysostosis (PMID: 10878663). In at least one individual the data is consistent with being in trans (on the opposite chromosome) from a pathogenic variant. It has also been observed to segregate with disease in related individuals. This variant is present in population databases (rs29001685, gnomAD 0.002%). This sequence change replaces leucine, which is neutral and non-polar, with proline, which is neutral and non-polar, at codon 309 of the CTSK protein (p.Leu309Pro).

Genome-Nilou Lab
Classification: Likely pathogenic for Pyknodysostosis. Last evaluated: 2023-04-11. Review status: criteria provided, single submitter. Criteria: ACMG Guidelines, 2015. Collection method: clinical testing. Allele origin: germline. Affected: no.

Counsyl
Classification: Likely pathogenic for Pyknodysostosis. Last evaluated: 2014-07-19. Review status: no assertion criteria provided. Collection method: literature only. Allele origin: unknown. Inheritance: Autosomal recessive inheritance. Not counted in ClinVar's aggregate classification.

OMIM
Classification: Pathogenic for PYCNODYSOSTOSIS. Last evaluated: 2000-06-01. Review status: no assertion criteria provided. Collection method: literature only. Allele origin: germline. Not counted in ClinVar's aggregate classification.

Literature cited by the submitters: PubMed 10878663 (cited by 4 submitters); PubMed 21099701 (cited by Counsyl).